The following is an entry in ClinVar:

NM_006231.4(POLE):c.62+1G>A

Genes: POLE (DNA polymerase epsilon, catalytic subunit; minus strand), LOC130009266 (ATAC-STARR-seq lymphoblastoid silent region 5123; plus strand). Cytogenetic location: 12q24.33.
Variant type: single nucleotide variant.
Coding change: c.62+1G>A on transcript NM_006231.4 (MANE Select); the canonical splice donor site of the intron after coding-DNA position 62, G replaced by A.
Molecular consequence: splice donor variant.
Genome position (GRCh38, 1-based): chr12:132,687,253, C>T on the plus strand (G>A on the coding strand, the complement: POLE is on the minus strand). VCF-style: chr12-132687253-C-T. GRCh37 (hg19) VCF-style: chr12-133263839-C-T.
Identifiers: ClinVar variation 2752061 (VCV002752061.5), dbSNP rs1565986506, ClinGen allele CA387373264.

ClinVar aggregate classification (germline): Conflicting classifications of pathogenicity. Review status: criteria provided, conflicting classifications (1 of 4 stars). 3 submissions from 3 submitters: Pathogenic (1); Likely pathogenic (1); Uncertain significance (1). Last evaluated 2024-11-25.

Conditions:
Polymerase proofreading-related adenomatous polyposis. Also called: Polymerase proofreading associated polyposis; Polymerase proofreading–associated polyposis (PPAP). Identifiers: Orphanet 447877, MedGen C5202613, MONDO:0018653.

gnomAD v4.1: 1 of 1,497,244 alleles (0.000067%); highest among the groups gnomAD compares: Non-Finnish European, 0.000089%; no homozygotes.

Submissions (3):

Labcorp Genetics (formerly Invitae), Labcorp
Classification: Pathogenic. Last evaluated: 2024-11-25. Review status: criteria provided, single submitter. Criteria: Invitae Variant Classification Sherloc (09022015). Collection method: clinical testing. Allele origin: germline.
Comment: This sequence change affects a donor splice site in intron 1 of the POLE gene. RNA analysis indicates that disruption of this splice site induces altered splicing and may result in an absent or altered protein product. This variant is not present in population databases (gnomAD no frequency). Disruption of this splice site has been observed in individual(s) with autosomal recessive POLE-related conditions (PMID: 29754823, 30503519). In at least one individual the data is consistent with being in trans (on the opposite chromosome) from a pathogenic variant. ClinVar contains an entry for this variant (Variation ID: 2752061). Studies have shown that disruption of this splice site results in activation of a cryptic splice site, and produces a non-functional protein and/or introduces a premature termination codon (internal data). For these reasons, this variant has been classified as Pathogenic.

Mayo Clinic Laboratories, Mayo Clinic
Classification: Uncertain significance. Last evaluated: 2024-08-19. Review status: criteria provided, single submitter. Criteria: ACMG Guidelines, 2015. Collection method: clinical testing. Allele origin: germline. Observed: 3 variant alleles.
Comment: PM2, PM3

Laboratory for Molecular Medicine, Mass General Brigham Personalized Medicine
Classification: Likely pathogenic for Polymerase proofreading-related adenomatous polyposis. Last evaluated: 2022-11-03. Review status: criteria provided, single submitter. Criteria: ACMG Guidelines, 2015. Collection method: clinical testing. Allele origin: germline.
Comment: The c.62+1G>A variant in POLE has not been reported in individuals with disease and was absent from large population studies. This variant occurs within the canonical splice site (+/- 1,2) and is predicted to cause altered splicing leading to an abnormal or absent protein. Loss of function of the POLE gene is an established disease mechanism in autosomal dominant polymerase proofreading-related adenomatous polyposis. In summary, although additional studies are required to fully establish its clinical significance, this variant meets criteria to be classified as likely pathogenic for autosomal dominant polymerase proofreading-related adenomatous polyposis. ACMG/AMP Criteria applied: PVS1, PM2_Supporting.

Literature cited by the submitters: PubMed 29754823 (cited by Labcorp Genetics (formerly Invitae), Labcorp and Mayo Clinic Laboratories, Mayo Clinic); PubMed 30503519 (cited by Labcorp Genetics (formerly Invitae), Labcorp and Mayo Clinic Laboratories, Mayo Clinic); PubMed 35534205 (cited by Mayo Clinic Laboratories, Mayo Clinic).